The following is an entry in ClinVar:

NM_022455.5(NSD1):c.7373T>C (p.Leu2458Pro)

Gene: NSD1 (nuclear receptor binding SET domain protein 1; plus strand). Cytogenetic location: 5q35.3.
Variant type: single nucleotide variant.
Coding change: c.7373T>C on transcript NM_022455.5 (MANE Select); coding-DNA position 7373, T replaced by C.
Protein change: p.Leu2458Pro; replaces leucine 2458 with proline.
Molecular consequence: missense variant.
Genome position (GRCh38, 1-based): chr5:177,294,741, T>C. VCF-style: chr5-177294741-T-C. GRCh37 (hg19) VCF-style: chr5-176721742-T-C.
Other names: c.6500T>C, p.Leu2167Pro (NM_001365684.2, NM_001409308.1, NM_172349.5); c.7373T>C, p.Leu2458Pro (NM_001409301.1, NM_001409302.1, NM_001409303.1); c.6953T>C, p.Leu2318Pro (NM_001409304.1); c.6620T>C, p.Leu2207Pro (NM_001409305.1); c.6611T>C, p.Leu2204Pro (NM_001409306.1, NM_001409307.1); c.6251T>C, p.Leu2084Pro (NM_001409309.1); short protein forms L2084P, L2167P, L2207P, L2318P, L2204P, L2458P.
Identifiers: ClinVar variation 3592074 (VCV003592074.3).

ClinVar aggregate classification (germline): Conflicting classifications of pathogenicity. Review status: criteria provided, conflicting classifications (1 of 4 stars). 3 submissions from 3 submitters: Uncertain significance (2); Likely benign (1). Last evaluated 2026-01-16.

Conditions:
Inborn genetic diseases. Identifiers: MedGen C0950123, MeSH D030342.
Sotos syndrome (SOTOS). Also called: Distinctive facial appearance, overgrowth in childhood, and learning disabilities or delayed development; SOTOS SYNDROME 1; CHROMOSOME 5q35 DELETION SYNDROME; CEREBRAL GIGANTISM; Sotos' syndrome. Identifiers: Orphanet 821, MedGen C0175695, MONDO:0019349, OMIM 117550.

gnomAD v4.1: 14 of 1,614,090 alleles (0.00087%); highest among the groups gnomAD compares: Non-Finnish European, 0.0012%; no homozygotes.

Submissions (3):

Women's Health and Genetics/Laboratory Corporation of America, LabCorp
Classification: Uncertain significance. Last evaluated: 2026-01-16. Review status: criteria provided, single submitter. Criteria: LabCorp Variant Classification Summary - May 2015. Collection method: clinical testing. Allele origin: germline.
Comment: Variant summary: NSD1 c.7373T>C (p.Leu2458Pro) results in a non-conservative amino acid change in the encoded protein sequence. Algorithms developed to predict the effect of missense changes on protein structure and function all suggest that this variant is likely to be disruptive. The variant allele was found at a frequency of 8e-06 in 251282 control chromosomes. The available data on variant occurrences in the general population are insufficient to allow any conclusion about variant significance. To our knowledge, no occurrence of c.7373T>C in individuals affected with NSD1-related conditions and no experimental evidence demonstrating its impact on protein function have been reported. ClinVar contains an entry for this variant (Variation ID: 3592074). Based on the evidence outlined above, the variant was classified as uncertain significance.

Ambry Genetics
Classification: Likely benign for Inborn genetic diseases. Last evaluated: 2025-06-05. Review status: criteria provided, single submitter. Criteria: Ambry Variant Classification Scheme 2023. Collection method: clinical testing. Allele origin: germline.

Fulgent Genetics
Classification: Uncertain significance for Sotos syndrome. Last evaluated: 2024-03-05. Review status: criteria provided, single submitter. Criteria: ACMG Guidelines, 2015. Collection method: clinical testing. Allele origin: germline.